The following is an entry in ClinVar:

ClinVar aggregate classification (germline): Benign. Review status: criteria provided, multiple submitters, no conflicts (2 of 4 stars). 3 submissions from 3 submitters: Benign (3). Last evaluated 2023-11-12.

Allele frequency attached by ClinVar (database versions not stated): 1000 Genomes Project 30x 0.18738; 1000 Genomes Project 0.19169; TOPMed 0.20600; gnomAD 0.21259 and 0.21563; gnomAD exomes 0.25597.
gnomAD v4.1: 204,648 of 823,944 alleles (25%); highest among the groups gnomAD compares: Admixed American, 31%; 27,772 homozygotes.

Submissions (3):

Unidad de Genómica Garrahan, Hospital de Pediatría Garrahan
Classification: Benign. Last evaluated: 2023-11-12. Review status: criteria provided, single submitter. Criteria: ACMG Guidelines, 2015. Collection method: clinical testing. Allele origin: germline. Affected: no. Observed: 44 variant alleles.
Comment: This variant is classified as Benign based on local population frequency. This variant was detected in 46% of patients studied by a panel of primary immunodeficiencies. Number of patients: 44. Only high quality variants are reported.

GeneDx
Classification: Benign. Last evaluated: 2021-05-12. Review status: criteria provided, single submitter. Criteria: GeneDx Variant Classification Process June 2021. Collection method: clinical testing. Allele origin: germline. Affected: yes.

Breakthrough Genomics
Classification: Benign. Review status: criteria provided, single submitter. Criteria: ACMG Guidelines, 2015. Collection method: not provided. Allele origin: germline. Inheritance: Autosomal recessive inheritance. Affected: yes.

NM_173842.3(IL1RN):c.205+97A>C

Gene: IL1RN (interleukin 1 receptor antagonist; plus strand). Cytogenetic location: 2q14.1.
Variant type: single nucleotide variant.
Coding change: c.205+97A>C on transcript NM_173842.3 (MANE Select); 97 bases into the intron after coding-DNA position 205, A replaced by C.
Molecular consequence: intron variant.
Genome position (GRCh38, 1-based): chr2:113,129,761, A>C. VCF-style: chr2-113129761-A-C. GRCh37 (hg19) VCF-style: chr2-113887338-A-C.
Other names: c.103+97A>C (NM_001318914.2, NM_173843.3, NM_001379360.1); c.214+97A>C (NM_173841.3); c.151+97A>C (NM_000577.5).
Identifiers: ClinVar variation 1294769 (VCV001294769.5), dbSNP rs495410, ClinGen allele CA11025324.